The following is an entry in ClinVar:

NM_001374353.1(GLI2):c.3594del (p.Ile1199fs)

Gene: GLI2 (GLI family zinc finger 2; plus strand). Cytogenetic location: 2q14.2.
Variant type: Deletion.
Coding change: c.3594del on transcript NM_001374353.1 (MANE Select); coding-DNA position 3594, one base deleted (C; older notation c.3594delC).
Protein change: p.Ile1199fs; shifts the reading frame from isoleucine 1199.
Molecular consequence: frameshift variant.
Genome position (GRCh38, 1-based): chr2:120,989,559, C deleted. VCF-style (leftmost placement, unchanged base first): chr2-120989558-GC-G. GRCh37 (hg19) VCF-style: chr2-121747134-GC-G.
Other names: c.3645del, p.Ile1216fs (NM_001371271.1, NM_005270.5); c.3219del, p.Ile1074fs (NM_001374354.1); short protein forms I1074fs, I1199fs, I1216fs.
Identifiers: ClinVar variation 4852260 (VCV004852260.1).

ClinVar aggregate classification (germline): Pathogenic (1 of 4 stars; one submission).

Conditions:
Autosomal dominant GLI2-related disorders.

Submission:

Variantyx, Inc.
Classification: Pathogenic for Autosomal dominant GLI2-related disorders. Last evaluated: 2025-09-16. Review status: criteria provided, single submitter. Criteria: Variantyx Assertion Criteria 2022. Collection method: clinical testing. Allele origin: de novo. Inheritance: Autosomal dominant inheritance. Affected: yes.
Comment: This is a frameshift variant in the GLI2 gene (OMIM: 165230). Pathogenic variants in this gene have been associated with autosomal dominant GLI2-related disorders. The alteration introduces a premature termination codon in exon 14 out of 14 and is expected to disrupt the C-terminal region of protein. While loss of function is a known disease mechanism for GLI2 in this disorder, the functional consequence of this variant cannot be predicted with confidence (PMID: 14581620, 20685856) (PVS1_Strong). This variant is absent from control populations (PM2), and it has not been reported in individuals with GLI2-related disorders in the databases available for review. Based on the current evidence, this variant is classified as likely pathogenic for autosomal dominant GLI2-related disorders.

Literature cited by the submitters: PubMed 14581620; PubMed 20685856.